The following is an entry in ClinVar:

ClinVar aggregate classification (germline): Uncertain significance (1 of 4 stars; one submission).

Allele frequency attached by ClinVar (database versions not stated): gnomAD exomes 0.00001; TOPMed 0.00001; ExAC 0.00002.
gnomAD v4.1: 15 of 1,613,978 alleles (0.00093%); highest among the groups gnomAD compares: East Asian, 0.0022%; no homozygotes.

Submission:

Labcorp Genetics (formerly Invitae), Labcorp
Classification: Uncertain significance. Last evaluated: 2024-02-24. Review status: criteria provided, single submitter. Criteria: Invitae Variant Classification Sherloc (09022015). Collection method: clinical testing. Allele origin: germline.
Comment: This sequence change replaces arginine, which is basic and polar, with cysteine, which is neutral and slightly polar, at codon 1058 of the ADCY5 protein (p.Arg1058Cys). This variant is present in population databases (rs759519156, gnomAD 0.006%). This variant has not been reported in the literature in individuals affected with ADCY5-related conditions. ClinVar contains an entry for this variant (Variation ID: 1965106). Advanced modeling of protein sequence and biophysical properties (such as structural, functional, and spatial information, amino acid conservation, physicochemical variation, residue mobility, and thermodynamic stability) performed at Invitae indicates that this missense variant is expected to disrupt ADCY5 protein function with a positive predictive value of 95%. In summary, the available evidence is currently insufficient to determine the role of this variant in disease. Therefore, it has been classified as a Variant of Uncertain Significance.

NM_183357.3(ADCY5):c.3172C>T (p.Arg1058Cys)

Gene: ADCY5 (adenylate cyclase 5; minus strand). Cytogenetic location: 3q21.1.
Variant type: single nucleotide variant.
Coding change: c.3172C>T on transcript NM_183357.3 (MANE Select); coding-DNA position 3172, C replaced by T.
Protein change: p.Arg1058Cys; replaces arginine 1058 with cysteine.
Molecular consequence: missense variant.
Genome position (GRCh38, 1-based): chr3:123,291,268, G>A on the plus strand (C>T on the coding strand, the complement: ADCY5 is on the minus strand). VCF-style: chr3-123291268-G-A. GRCh37 (hg19) VCF-style: chr3-123010115-G-A.
Other names: c.2122C>T, p.Arg708Cys (NM_001199642.1); c.3247C>T, p.Arg1083Cys (NM_001378259.1); short protein forms R1083C, R708C, R1058C.
Identifiers: ClinVar variation 1965106 (VCV001965106.5), dbSNP rs759519156, ClinGen allele CA2576835.
Genomic context (GRCh38, chr3:123,291,268, plus strand): 5'-CGATGGAGGCGAACATGACCGCCACACACTCACAGGACTGATAGTAGAGCTCATCATTGC[G>A]CCGCTCGCGGGCCAGGAAGTGAGCGGCCACGTCCTTGGGCAGGATGTTGTGCAGCAGCCG-3'
Protein context (NP_899200.1, residues 1048-1068): VAAHFLARER[Arg1058Cys]NDELYYQSCE